The following is an entry in ClinVar:

ClinVar aggregate classification (germline): Uncertain significance. Review status: criteria provided, multiple submitters, no conflicts (2 of 4 stars). 2 submissions from 2 submitters: Uncertain significance (2). Last evaluated 2025-08-29.

Conditions:
Inborn genetic diseases. Identifiers: MedGen C0950123, MeSH D030342.

gnomAD v4.1: 17 of 1,613,294 alleles (0.0011%); highest among the groups gnomAD compares: Non-Finnish European, 0.0014%; no homozygotes.

Submissions (2):

Ambry Genetics
Classification: Uncertain significance for Inborn genetic diseases. Last evaluated: 2025-08-29. Review status: criteria provided, single submitter. Criteria: Ambry Variant Classification Scheme 2023. Collection method: clinical testing. Allele origin: germline.

GeneDx
Classification: Uncertain significance. Last evaluated: 2019-12-09. Review status: criteria provided, single submitter. Criteria: GeneDx Variant Classification Process June 2021. Collection method: clinical testing. Allele origin: germline. Affected: yes.
Comment: Not observed in large population cohorts (Lek et al., 2016); In silico analysis, which includes protein predictors and evolutionary conservation, supports that this variant does not alter protein structure/function; Has not been previously published as pathogenic or benign to our knowledge

NM_004519.4(KCNQ3):c.1490C>A (p.Ala497Glu)

Gene: KCNQ3 (potassium voltage-gated channel subfamily Q member 3; minus strand). Cytogenetic location: 8q24.22.
Variant type: single nucleotide variant.
Coding change: c.1490C>A on transcript NM_004519.4 (MANE Select); coding-DNA position 1490, C replaced by A.
Protein change: p.Ala497Glu; replaces alanine 497 with glutamic acid.
Molecular consequence: missense variant.
Genome position (GRCh38, 1-based): chr8:132,140,154, G>T on the plus strand (C>A on the coding strand, the complement: KCNQ3 is on the minus strand). VCF-style: chr8-132140154-G-T. GRCh37 (hg19) VCF-style: chr8-133152401-G-T.
Other names: c.1130C>A, p.Ala377Glu (NM_001204824.2); short protein forms A377E, A497E.
Identifiers: ClinVar variation 1211402 (VCV001211402.4), dbSNP rs1048969639, ClinGen allele CA372219725.